The following is an entry in ClinVar:

NM_000350.3(ABCA4):c.6308C>A (p.Pro2103His)

Gene: ABCA4 (ATP binding cassette subfamily A member 4; minus strand). Cytogenetic location: 1p22.1.
Variant type: single nucleotide variant.
Coding change: c.6308C>A on transcript NM_000350.3 (MANE Select); coding-DNA position 6308, C replaced by A.
Protein change: p.Pro2103His; replaces proline 2103 with histidine.
Molecular consequence: missense variant.
Genome position (GRCh38, 1-based): chr1:94,001,080, G>T on the plus strand (C>A on the coding strand, the complement: ABCA4 is on the minus strand). VCF-style: chr1-94001080-G-T. GRCh37 (hg19) VCF-style: chr1-94466636-G-T.
Other names: c.6086C>A, p.Pro2029His (NM_001425324.1); short protein forms P2103H, P2029H.
Identifiers: ClinVar variation 1172702 (VCV001172702.8), dbSNP rs2100994049, ClinGen allele CA341277582.

ClinVar aggregate classification (germline): Conflicting classifications of pathogenicity. Review status: criteria provided, conflicting classifications (1 of 4 stars). 3 submissions from 3 submitters: Likely pathogenic (1); Uncertain significance (1). 1 of the submissions does not count toward it. Last evaluated 2022-09-05.

Conditions:
Stargardt disease (FFM). Also called: Stargardt's disease; Fundus flavimaculatus. Identifiers: Orphanet 827, MedGen C0271093, MONDO:0019353.
Severe early-childhood-onset retinal dystrophy (STGD1). Also called: Stargardt macular dystrophy; Juvenile onset macular degeneration; Stargardt disease 1; MACULAR DYSTROPHY WITH FLECKS, TYPE 1; STGD. Identifiers: Orphanet 364055, Orphanet 827, MedGen C1855465, MeSH D000080362, MONDO:0009549, OMIM 248200.

Submissions (3):

Labcorp Genetics (formerly Invitae), Labcorp
Classification: Uncertain significance. Last evaluated: 2022-09-05. Review status: criteria provided, single submitter. Criteria: Invitae Variant Classification Sherloc (09022015). Collection method: clinical testing. Allele origin: germline.
Comment: ClinVar contains an entry for this variant (Variation ID: 1172702). This sequence change replaces proline, which is neutral and non-polar, with histidine, which is basic and polar, at codon 2103 of the ABCA4 protein (p.Pro2103His). This variant is not present in population databases (gnomAD no frequency). This variant has not been reported in the literature in individuals affected with ABCA4-related conditions. Advanced modeling of protein sequence and biophysical properties (such as structural, functional, and spatial information, amino acid conservation, physicochemical variation, residue mobility, and thermodynamic stability) performed at Invitae indicates that this missense variant is expected to disrupt ABCA4 protein function. In summary, the available evidence is currently insufficient to determine the role of this variant in disease. Therefore, it has been classified as a Variant of Uncertain Significance.

DBGen Ocular Genomics
Classification: Likely pathogenic for Severe early-childhood-onset retinal dystrophy. Last evaluated: 2021-05-19. Review status: criteria provided, single submitter. Criteria: ACMG Guidelines, 2015. Collection method: clinical testing. Allele origin: germline. Affected: yes. Observed: 1 variant allele.

Ophthalmo-Genetics Lab, Instituto de Oftalmologia Conde de Valenciana
Classification: Pathogenic for Stargardt disease. Last evaluated: 2022-12-20. Review status: no assertion criteria provided. Collection method: research. Allele origin: biparental. Inheritance: Autosomal recessive inheritance. Affected: yes. Observed: 1 compound heterozygote. Not counted in ClinVar's aggregate classification.
Comment: PM1,PP2,PM2,PP3,PP5 ACMG Criteria

Literature cited by the submitters: PubMed 35608843 (cited by Ophthalmo-Genetics Lab, Instituto de Oftalmologia Conde de Valenciana).